The following is an entry in ClinVar:

NM_004304.5(ALK):c.228CTC[1] (p.Ser78del)

Gene: ALK (ALK receptor tyrosine kinase; minus strand). Cytogenetic location: 2p23.1.
Variant type: Microsatellite.
Coding change: c.228CTC[1] on transcript NM_004304.5 (MANE Select); one copy of the 3-base unit CTC starting at c.228; the reference has two copies in a row; one copy, 3 bases deleted.
Protein change: p.Ser78del; deletes serine 78.
Molecular consequence: inframe deletion.
Genome position (GRCh38, 1-based): chr2:29,920,427-29,920,429, GAG deleted on the plus strand (CTC on the coding strand, the reverse complement: ALK is on the minus strand); deleting any 3 consecutive bases within chr2:29,920,427-29,920,434 gives the same sequence; the position shown is the placement nearest the transcript's 3' end. VCF-style (leftmost placement, unchanged base first): chr2-29920426-CGAG-C. GRCh37 (hg19) VCF-style: chr2-30143292-CGAG-C.
Other names: short protein forms S78del.
Identifiers: ClinVar variation 3855723 (VCV003855723.1).
Genomic context (GRCh38, chr2:29,920,426, plus strand): 5'-CAGCGGGGCGCAGTCCAGAGCTAGCGAGCCGCGGGCCTCGGGCCTGCCAGCCTTCAGCTC[CGAG>C]GAGGATGGTGGCAGCAGTAGGTCCCGGGCGTAGACACGGAAGAGCGAGGGCACCACGAAG-3'

ClinVar aggregate classification (germline): Uncertain significance (1 of 4 stars; one submission).

Conditions:
Hereditary cancer-predisposing syndrome. Also called: Hereditary neoplastic syndrome; Neoplastic Syndromes, Hereditary; Tumor predisposition; Hereditary Cancer Syndrome. Identifiers: Orphanet 140162, MedGen C0027672, MeSH D009386, MONDO:0015356.

Submission:

Ambry Genetics
Classification: Uncertain significance for Hereditary cancer-predisposing syndrome. Last evaluated: 2025-02-24. Review status: criteria provided, single submitter. Criteria: Ambry Variant Classification Scheme 2023. Collection method: clinical testing. Allele origin: germline.
Comment: The c.231_233delCTC variant (also known as p.S78del) is located in coding exon 1 of the ALK gene. This variant results from an in-frame CTC deletion at nucleotide positions 231 to 233. This results in the in-frame deletion of a serine at codon 78. This amino acid position is not well conserved in available vertebrate species. In addition, this alteration is predicted to be neutral by in silico analysis (Choi Y et al. PLoS ONE. 2012; 7(10):e46688). Based on the available evidence, the clinical significance of this variant remains unclear.